The following is an entry in ClinVar:

ClinVar aggregate classification (germline): Likely benign (1 of 4 stars; one submission).

Conditions:
Achondrogenesis, type IA (ACG1A). Identifiers: Orphanet 932, Orphanet 93299, MedGen C0265273, MONDO:0008701, OMIM 200600.

Allele frequency attached by ClinVar (database versions not stated): 1000 Genomes Project 30x 0.00078; gnomAD 0.00078 and 0.00081; TOPMed 0.00085; gnomAD exomes 0.00090; 1000 Genomes Project 0.00100.
gnomAD v4.1: 357 of 425,224 alleles (0.084%); highest among the groups gnomAD compares: Admixed American, 0.15%; 1 homozygote.

Submission:

Illumina Laboratory Services, Illumina
Classification: Likely benign for Achondrogenesis, type IA. Last evaluated: 2018-01-13. Review status: criteria provided, single submitter. Criteria: ICSL Variant Classification Criteria 13 December 2019. Collection method: clinical testing. Allele origin: germline.
Comment: This variant was observed in the ICSL laboratory as part of a predisposition screen in an ostensibly healthy population. It had not been previously curated by ICSL or reported in the Human Gene Mutation Database (HGMD: prior to June 1st, 2018), and was therefore a candidate for classification through an automated scoring system. Utilizing variant allele frequency, disease prevalence and penetrance estimates, and inheritance mode, an automated score was calculated to assess if this variant is too frequent to cause the disease. Based on the score and internal cut-off values, a variant classified as likely benign is not then subjected to further curation. The score for this variant resulted in a classification of likely benign for this disease.

NM_004239.4(TRIP11):c.*290A>G

Gene: TRIP11 (thyroid hormone receptor interactor 11; minus strand). Cytogenetic location: 14q32.12.
Variant type: single nucleotide variant.
Coding change: c.*290A>G on transcript NM_004239.4 (MANE Select); 290 bases downstream of the stop codon, A replaced by G.
Molecular consequence: 3 prime UTR variant.
Genome position (GRCh38, 1-based): chr14:91,969,383, T>C on the plus strand (A>G on the coding strand, the complement: TRIP11 is on the minus strand). VCF-style: chr14-91969383-T-C. GRCh37 (hg19) VCF-style: chr14-92435727-T-C.
Other names: c.*290A>G (NM_001321851.1).
Identifiers: ClinVar variation 314920 (VCV000314920.5), dbSNP rs189206458, ClinGen allele CA10646581.